The following is an entry in ClinVar:

NM_012418.4(FSCN2):c.1106-27C>A

Gene: FSCN2 (fascin actin-bundling protein 2, retinal; plus strand). Cytogenetic location: 17q25.3.
Variant type: single nucleotide variant.
Coding change: c.1106-27C>A on transcript NM_012418.4 (MANE Select); 27 bases into the intron before coding-DNA position 1106, C replaced by A.
Molecular consequence: intron variant. On other transcripts: missense variant (1).
Genome position (GRCh38, 1-based): chr17:81,536,595, C>A. VCF-style: chr17-81536595-C-A. GRCh37 (hg19) VCF-style: chr17-79503621-C-A.
Other names: c.1151C>A, p.Ala384Glu (NM_001077182.3); short protein forms A384E.
Identifiers: ClinVar variation 2844452 (VCV002844452.3), dbSNP rs762168526, ClinGen allele CA8836994.

ClinVar aggregate classification (germline): Uncertain significance (1 of 4 stars; one submission).

Allele frequency attached by ClinVar (database versions not stated): gnomAD 0.00001.
gnomAD v4.1: 7 of 1,605,032 alleles (0.00044%); highest among the groups gnomAD compares: South Asian, 0.0077%; no homozygotes.

Submission:

Labcorp Genetics (formerly Invitae), Labcorp
Classification: Uncertain significance. Last evaluated: 2023-09-23. Review status: criteria provided, single submitter. Criteria: Invitae Variant Classification Sherloc (09022015). Collection method: clinical testing. Allele origin: germline.
Comment: This sequence change replaces alanine, which is neutral and non-polar, with glutamic acid, which is acidic and polar, at codon 384 of the FSCN2 protein (p.Ala384Glu). This variant is present in population databases (rs762168526, gnomAD 0.007%). This variant has not been reported in the literature in individuals affected with FSCN2-related conditions. An algorithm developed to predict the effect of missense changes on protein structure and function (PolyPhen-2) suggests that this variant is likely to be tolerated. In summary, the available evidence is currently insufficient to determine the role of this variant in disease. Therefore, it has been classified as a Variant of Uncertain Significance.